The following is an entry in ClinVar:

ClinVar aggregate classification (germline): Uncertain significance (1 of 4 stars; one submission).

Conditions:
Gastrointestinal stromal tumor. Also called: Gastrointestinal stromal tumor, somatic; Gastrointestinal stroma tumor. Identifiers: Orphanet 44890, MedGen C0238198, MeSH D046152, MONDO:0011719, OMIM 606764, HP:0100723.
Pheochromocytoma/paraganglioma syndrome 3. Also called: GLOMUS TUMORS, FAMILIAL, 3; SDHC-Related Hereditary Paraganglioma-Pheochromocytoma Syndrome (Paragangliomas 3); Paragangliomas 3; SDHC-Related Hereditary Paraganglioma-Pheochromocytoma Syndrome. Identifiers: Orphanet 29072, MedGen C1854336, MONDO:0011544, OMIM 605373.

Submission:

Labcorp Genetics (formerly Invitae), Labcorp
Classification: Uncertain significance for Pheochromocytoma/paraganglioma syndrome 3; Gastrointestinal stromal tumor. Last evaluated: 2020-05-27. Review status: criteria provided, single submitter. Criteria: Invitae Variant Classification Sherloc (09022015). Collection method: clinical testing. Allele origin: germline.
Comment: This variant has not been reported in the literature in individuals with SDHC-related conditions. In summary, the available evidence is currently insufficient to determine the role of this variant in disease. Therefore, it has been classified as a Variant of Uncertain Significance. Algorithms developed to predict the effect of missense changes on protein structure and function (SIFT, PolyPhen-2, Align-GVGD) all suggest that this variant is likely to be tolerated, but these predictions have not been confirmed by published functional studies and their clinical significance is uncertain. This variant is not present in population databases (ExAC no frequency). This sequence change replaces histidine with tyrosine at codon 17 of the SDHC protein (p.His17Tyr). The histidine residue is moderately conserved and there is a moderate physicochemical difference between histidine and tyrosine.

NM_003001.5(SDHC):c.49C>T (p.His17Tyr)

Gene: SDHC (succinate dehydrogenase complex subunit C; plus strand). Cytogenetic location: 1q23.3.
Variant type: single nucleotide variant.
Coding change: c.49C>T on transcript NM_003001.5 (MANE Select); coding-DNA position 49, C replaced by T.
Protein change: p.His17Tyr; replaces histidine 17 with tyrosine.
Molecular consequence: missense variant. On other transcripts: 5 prime UTR variant (2), non-coding transcript variant (1), intron variant (4).
Genome position (GRCh38, 1-based): chr1:161,323,642, C>T. VCF-style: chr1-161323642-C-T. GRCh37 (hg19) VCF-style: chr1-161293432-C-T.
Other names: c.49C>T, p.His17Tyr (NM_001035511.3, NM_001035512.3, NM_001278172.3 and 2 more transcripts); c.-63C>T (NM_001407119.1); c.-181C>T (NM_001407120.1); c.21-4754C>T (NM_001407116.1, NM_001407121.1, NM_001407117.1); c.20+9217C>T (NM_001035513.3); short protein forms H17Y.
Identifiers: ClinVar variation 1062544 (VCV001062544.10), dbSNP rs2102295552, ClinGen allele CA343359452.